The following is an entry in ClinVar:

NM_001371928.1(AHDC1):c.3529G>C (p.Val1177Leu)

Gene: AHDC1 (AT-hook DNA binding motif containing 1; minus strand). Cytogenetic location: 1p36.11.
Variant type: single nucleotide variant.
Coding change: c.3529G>C on transcript NM_001371928.1 (MANE Select); coding-DNA position 3529, G replaced by C.
Protein change: p.Val1177Leu; replaces valine 1177 with leucine.
Molecular consequence: missense variant.
Genome position (GRCh38, 1-based): chr1:27,548,587, C>G on the plus strand (G>C on the coding strand, the complement: AHDC1 is on the minus strand). VCF-style: chr1-27548587-C-G. GRCh37 (hg19) VCF-style: chr1-27875098-C-G.
Other names: c.3529G>C, p.Val1177Leu (NM_001029882.3); c.-515G>C (NM_015699.1); short protein forms V1177L.
Identifiers: ClinVar variation 3001745 (VCV003001745.3), dbSNP rs757581653, ClinGen allele CA339226152.
Genomic context (GRCh38, chr1:27,548,587, plus strand): 5'-TCGACTGGCCCTCACTACTTGAGGCCTCGCTGTTGGCACGCCGAAACCCCCCGCCACCAA[C>G]CGGCTGATTGAACTGGGTGCTGTCGGAGGATGACTCAGAGAAGGTCTCCGACACAGCCGT-3'
Protein context (NP_001358857.1, residues 1167-1187): SSDSTQFNQP[Val1177Leu]GGGGFRRANS

ClinVar aggregate classification (germline): Uncertain significance (1 of 4 stars; one submission).

Allele frequency attached by ClinVar (database versions not stated): gnomAD exomes below 0.00001; gnomAD 0.00001; TOPMed 0.00001.
gnomAD v4.1: 3 of 1,613,450 alleles (0.00019%); highest among the groups gnomAD compares: Non-Finnish European, 0.00025%; no homozygotes.

Submission:

Labcorp Genetics (formerly Invitae), Labcorp
Classification: Uncertain significance. Last evaluated: 2023-09-12. Review status: criteria provided, single submitter. Criteria: Invitae Variant Classification Sherloc (09022015). Collection method: clinical testing. Allele origin: germline.
Comment: This sequence change replaces valine, which is neutral and non-polar, with leucine, which is neutral and non-polar, at codon 1177 of the AHDC1 protein (p.Val1177Leu). This variant is not present in population databases (gnomAD no frequency). This variant has not been reported in the literature in individuals affected with AHDC1-related conditions. An algorithm developed to predict the effect of missense changes on protein structure and function (PolyPhen-2) suggests that this variant is likely to be tolerated. In summary, the available evidence is currently insufficient to determine the role of this variant in disease. Therefore, it has been classified as a Variant of Uncertain Significance.